The following is an entry in ClinVar:

ClinVar aggregate classification (germline): Uncertain significance (1 of 4 stars; one submission).

Submission:

GeneDx
Classification: Uncertain significance. Last evaluated: 2022-02-15. Review status: criteria provided, single submitter. Criteria: GeneDx Variant Classification Process June 2021. Collection method: clinical testing. Allele origin: germline. Affected: yes.
Comment: Not observed at significant frequency in large population cohorts (gnomAD); In silico analysis supports that this missense variant does not alter protein structure/function; Has not been previously published as pathogenic or benign to our knowledge

NM_015355.4(SUZ12):c.18C>A (p.His6Gln)

Gene: SUZ12 (SUZ12 polycomb repressive complex 2 subunit; plus strand). Cytogenetic location: 17q11.2.
Variant type: single nucleotide variant.
Coding change: c.18C>A on transcript NM_015355.4 (MANE Select); coding-DNA position 18, C replaced by A.
Protein change: p.His6Gln; replaces histidine 6 with glutamine.
Molecular consequence: missense variant.
Genome position (GRCh38, 1-based): chr17:31,937,264, C>A. VCF-style: chr17-31937264-C-A. GRCh37 (hg19) VCF-style: chr17-30264283-C-A.
Other names: c.18C>A, p.His6Gln (NM_001321207.2); short protein forms H6Q.
Identifiers: ClinVar variation 1700860 (VCV001700860.2), dbSNP rs760726816, ClinGen allele CA399030277.